The following is an entry in ClinVar:

NM_019032.6(ADAMTSL4):c.1933C>T (p.Gln645Ter)

Genes: ADAMTSL4 (ADAMTS like 4; plus strand), ADAMTSL4-AS2 (ADAMTSL4 antisense RNA 2; minus strand). Cytogenetic location: 1q21.2.
Variant type: single nucleotide variant.
Coding change: c.1933C>T on transcript NM_019032.6 (MANE Select); coding-DNA position 1933, C replaced by T.
Protein change: p.Gln645Ter; replaces glutamine 645 with a stop codon.
Molecular consequence: nonsense. On other transcripts: intron variant (1).
Genome position (GRCh38, 1-based): chr1:150,557,221, C>T. VCF-style: chr1-150557221-C-T. GRCh37 (hg19) VCF-style: chr1-150529697-C-T.
Other names: c.2002C>T, p.Gln668Ter (NM_001288608.2); c.1933C>T, p.Gln645Ter (NM_001378596.1, NM_025008.5); c.1857-41C>T (NM_001288607.2); short protein forms Q645*, Q668*.
Identifiers: ClinVar variation 2034435 (VCV002034435.4), dbSNP rs761928661, ClinGen allele CA1078459.

ClinVar aggregate classification (germline): Pathogenic (1 of 4 stars; one submission).

Allele frequency attached by ClinVar (database versions not stated): ExAC 0.00001; gnomAD 0.00001.

Submission:

Labcorp Genetics (formerly Invitae), Labcorp
Classification: Pathogenic. Last evaluated: 2022-10-07. Review status: criteria provided, single submitter. Criteria: Invitae Variant Classification Sherloc (09022015). Collection method: clinical testing. Allele origin: germline.
Comment: This sequence change creates a premature translational stop signal (p.Gln645*) in the ADAMTSL4 gene. It is expected to result in an absent or disrupted protein product. Loss-of-function variants in ADAMTSL4 are known to be pathogenic (PMID: 20564469, 28642162). This variant is present in population databases (rs761928661, gnomAD 0.0009%). This variant has not been reported in the literature in individuals affected with ADAMTSL4-related conditions. For these reasons, this variant has been classified as Pathogenic.

Literature cited by the submitters: PubMed 20564469; PubMed 28642162.